The following is an entry in ClinVar:

NM_004168.4(SDHA):c.1862A>G (p.His621Arg)

Gene: SDHA (succinate dehydrogenase complex flavoprotein subunit A; plus strand). Cytogenetic location: 5p15.33.
Variant type: single nucleotide variant.
Coding change: c.1862A>G on transcript NM_004168.4 (MANE Select); coding-DNA position 1862, A replaced by G.
Protein change: p.His621Arg; replaces histidine 621 with arginine.
Molecular consequence: missense variant.
Genome position (GRCh38, 1-based): chr5:254,460, A>G. VCF-style: chr5-254460-A-G. GRCh37 (hg19) VCF-style: chr5-254575-A-G.
Other names: c.1718A>G, p.His573Arg (NM_001294332.2); c.1619A>G, p.His540Arg (NM_001330758.2); c.1862A>G (NM_004168.2); short protein forms H540R, H573R, H621R.
Identifiers: ClinVar variation 1026488 (VCV001026488.11), dbSNP rs1737050290, ClinGen allele CA359001994.

ClinVar aggregate classification (germline): Uncertain significance. Review status: criteria provided, multiple submitters, no conflicts (2 of 4 stars). 2 submissions from 2 submitters: Uncertain significance (2). Last evaluated 2023-08-29.

Conditions:
Mitochondrial complex II deficiency, nuclear type 1. Also called: SUCCINATE CoQ REDUCTASE DEFICIENCY. Identifiers: Orphanet 3208, MedGen C5700310, MONDO:0100294, OMIM 252011.
Pheochromocytoma/paraganglioma syndrome 5. Also called: Paragangliomas 5; SDHA-Related Hereditary Paraganglioma-Pheochromocytoma Syndrome. Identifiers: Orphanet 29072, MedGen C3279992, MONDO:0013602, OMIM 614165.
Hereditary cancer-predisposing syndrome. Also called: Tumor predisposition; Hereditary neoplastic syndrome; Neoplastic Syndromes, Hereditary; Hereditary Cancer Syndrome. Identifiers: Orphanet 140162, MedGen C0027672, MeSH D009386, MONDO:0015356.

Allele frequency attached by ClinVar (database versions not stated): gnomAD exomes below 0.00001.
gnomAD v4.1: 2 of 1,589,416 alleles (0.00013%); highest among the groups gnomAD compares: Non-Finnish European, 0.00017%; no homozygotes.

Submissions (2):

Ambry Genetics
Classification: Uncertain significance for Hereditary cancer-predisposing syndrome. Last evaluated: 2023-08-29. Review status: criteria provided, single submitter. Criteria: Ambry Variant Classification Scheme 2023. Collection method: clinical testing. Allele origin: germline.
Comment: The p.H621R variant (also known as c.1862A>G), located in coding exon 14 of the SDHA gene, results from an A to G substitution at nucleotide position 1862. The histidine at codon 621 is replaced by arginine, an amino acid with highly similar properties. This amino acid position is conserved. In addition, the in silico prediction for this alteration is inconclusive. Since supporting evidence is limited at this time, the clinical significance of this alteration remains unclear.

Labcorp Genetics (formerly Invitae), Labcorp
Classification: Uncertain significance for Pheochromocytoma/paraganglioma syndrome 5; Mitochondrial complex II deficiency, nuclear type 1. Last evaluated: 2020-12-09. Review status: criteria provided, single submitter. Criteria: Invitae Variant Classification Sherloc (09022015). Collection method: clinical testing. Allele origin: germline.
Comment: This sequence change replaces histidine with arginine at codon 621 of the SDHA protein (p.His621Arg). The histidine residue is highly conserved and there is a small physicochemical difference between histidine and arginine. This variant is not present in population databases (ExAC no frequency). This variant has not been reported in the literature in individuals with SDHA-related conditions. Algorithms developed to predict the effect of missense changes on protein structure and function are either unavailable or do not agree on the potential impact of this missense change (SIFT: "Deleterious"; PolyPhen-2: "Benign"; Align-GVGD: "Class C25"). In summary, the available evidence is currently insufficient to determine the role of this variant in disease. Therefore, it has been classified as a Variant of Uncertain Significance.